The following is an entry in ClinVar:

NM_014712.3(SETD1A):c.2103C>T (p.Ala701=)

Gene: SETD1A (SET domain containing 1A, histone lysine methyltransferase; plus strand). Cytogenetic location: 16p11.2.
Variant type: single nucleotide variant.
Coding change: c.2103C>T on transcript NM_014712.3 (MANE Select); coding-DNA position 2103, C replaced by T.
Protein change: p.Ala701=; no amino-acid change (alanine 701 retained).
Molecular consequence: synonymous variant.
Genome position (GRCh38, 1-based): chr16:30,965,984, C>T. VCF-style: chr16-30965984-C-T. GRCh37 (hg19) VCF-style: chr16-30977305-C-T.
Identifiers: ClinVar variation 2646434 (VCV002646434.24), dbSNP rs373029609, ClinGen allele CA8016840.

ClinVar aggregate classification (germline): Likely benign (1 of 4 stars; one submission).

Allele frequency attached by ClinVar (database versions not stated): gnomAD exomes 0.00002; ExAC 0.00003; TOPMed 0.00004; gnomAD 0.00006; ESP Exome Variant Server 0.00008; 1000 Genomes Project 30x 0.00016; 1000 Genomes Project 0.00020.
gnomAD v4.1: 34 of 1,585,864 alleles (0.0021%); highest among the groups gnomAD compares: Middle Eastern, 0.017%; no homozygotes.

Submission:

CeGaT Center for Human Genetics Tuebingen
Classification: Likely benign. Last evaluated: 2022-12-01. Review status: criteria provided, single submitter. Criteria: CeGaT Center For Human Genetics Tuebingen Variant Classification Criteria Version 2. Collection method: clinical testing. Allele origin: germline. Affected: yes. Observed: 1 variant allele.
Comment: SETD1A: BP4, BP7